The following is an entry in ClinVar:

NM_000217.3(KCNA1):c.447C>A (p.Tyr149Ter)

Gene: KCNA1 (potassium voltage-gated channel subfamily A member 1; plus strand). Cytogenetic location: 12p13.32.
Variant type: single nucleotide variant.
Coding change: c.447C>A on transcript NM_000217.3 (MANE Select); coding-DNA position 447, C replaced by A.
Protein change: p.Tyr149Ter; replaces tyrosine 149 with a stop codon.
Molecular consequence: nonsense.
Genome position (GRCh38, 1-based): chr12:4,911,825, C>A. VCF-style: chr12-4911825-C-A. GRCh37 (hg19) VCF-style: chr12-5020991-C-A.
Other names: short protein forms Y149*.
Identifiers: ClinVar variation 2708671 (VCV002708671.3), dbSNP rs2497352340, ClinGen allele CA383454584.

ClinVar aggregate classification (germline): Uncertain significance (1 of 4 stars; one submission).

Conditions:
Episodic ataxia type 1 (EA1). Also called: ATAXIA, EPISODIC, WITH MYOKYMIA; MYOKYMIA WITH PERIODIC ATAXIA; PAROXYSMAL ATAXIA WITH NEUROMYOTONIA, HEREDITARY; Episodic ataxia/myokymia syndrome. Identifiers: Orphanet 37612, Orphanet 972, MedGen C1719788, MONDO:0008047, OMIM 160120.

Submission:

Labcorp Genetics (formerly Invitae), Labcorp
Classification: Uncertain significance for Episodic ataxia type 1. Last evaluated: 2024-01-10. Review status: criteria provided, single submitter. Criteria: Invitae Variant Classification Sherloc (09022015). Collection method: clinical testing. Allele origin: germline.
Comment: This sequence change creates a premature translational stop signal (p.Tyr149*) in the KCNA1 gene. While this is not anticipated to result in nonsense mediated decay, it is expected to disrupt the last 347 amino acid(s) of the KCNA1 protein. This variant is not present in population databases (gnomAD no frequency). This variant has not been reported in the literature in individuals affected with KCNA1-related conditions. In summary, the available evidence is currently insufficient to determine the role of this variant in disease. Therefore, it has been classified as a Variant of Uncertain Significance.